The following is an entry in ClinVar:

NM_000748.3(CHRNB2):c.224A>C (p.Gln75Pro)

Gene: CHRNB2 (cholinergic receptor nicotinic beta 2 subunit; plus strand). Cytogenetic location: 1q21.3.
Variant type: single nucleotide variant.
Coding change: c.224A>C on transcript NM_000748.3 (MANE Select); coding-DNA position 224, A replaced by C.
Protein change: p.Gln75Pro; replaces glutamine 75 with proline.
Molecular consequence: missense variant.
Genome position (GRCh38, 1-based): chr1:154,569,805, A>C. VCF-style: chr1-154569805-A-C. GRCh37 (hg19) VCF-style: chr1-154542281-A-C.
Other names: short protein forms Q75P.
Identifiers: ClinVar variation 1711225 (VCV001711225.32), dbSNP rs1696130143, ClinGen allele CA342629510.

ClinVar aggregate classification (germline): Uncertain significance. Review status: criteria provided, multiple submitters, no conflicts (2 of 4 stars). 2 submissions from 2 submitters: Uncertain significance (2). Last evaluated 2025-05-20.

Allele frequency attached by ClinVar (database versions not stated): TOPMed below 0.00001; gnomAD 0.00001.

Submissions (2):

Dasa
Classification: Uncertain significance. Last evaluated: 2025-05-20. Review status: criteria provided, single submitter. Criteria: DASA Assertion Criteria. Collection method: clinical testing. Allele origin: germline.
Comment: NM_000748.3(CHRNB2):c.224A>C (p.Gln75Pro) is a missense variant that results in the substitution of glutamine with proline. This variant is rare in population databases. Computational prediction algorithms are consistent with a deleterious effect. The currently available literature and clinical evidence are not sufficient to establish a definitive association between this variant and the reported condition. Therefore, this variant is classified as a variant of uncertain significance.

CeGaT Center for Human Genetics Tuebingen
Classification: Uncertain significance. Last evaluated: 2022-09-01. Review status: criteria provided, single submitter. Criteria: CeGaT Center For Human Genetics Tuebingen Variant Classification Criteria Version 2. Collection method: clinical testing. Allele origin: germline. Affected: yes. Observed: 1 variant allele.
Comment: CHRNB2: PM2, PP2, PP3